The following is an entry in ClinVar:

ClinVar aggregate classification (germline): Uncertain significance (1 of 4 stars; one submission).

Submission:

GeneDx
Classification: Uncertain significance. Last evaluated: 2016-10-21. Review status: criteria provided, single submitter. Criteria: GeneDx Variant Classification (06012015). Collection method: clinical testing. Allele origin: germline. Affected: yes.
Comment: This variant is denoted ATM c.4514C>T at the cDNA level, p.Ala1505Val (A1505V) at the protein level, and results in the change of an Alanine to a Valine (GCC>GTC). This variant has not, to our knowledge, been published in the literature as pathogenic or benign. ATM Ala1505Val was not observed in approximately 6,500 individuals of European and African American ancestry in the NHLBI Exome Sequencing Project, suggesting it is not a common benign variant in these populations. Since Alanine and Valine share similar properties, this is considered a conservative amino acid substitution. ATM Ala1505Val occurs at a position that is not conserved and is not located in a known functional domain (Tavtigian 2009, Stracker 2013). In silico analyses are inconsistent regarding the effect this variant may have on protein structure and function. Based on currently available evidence, it is unclear whether ATM Ala1505Val is a pathogenic or benign variant. We consider it to be a variant of uncertain significance.

NM_000051.4(ATM):c.4514C>T (p.Ala1505Val)

Gene: ATM (ATM serine/threonine kinase; plus strand). Cytogenetic location: 11q22.3.
Variant type: single nucleotide variant.
Coding change: c.4514C>T on transcript NM_000051.4 (MANE Select); coding-DNA position 4514, C replaced by T.
Protein change: p.Ala1505Val; replaces alanine 1505 with valine.
Molecular consequence: missense variant.
Genome position (GRCh38, 1-based): chr11:108,292,696, C>T. VCF-style: chr11-108292696-C-T. GRCh37 (hg19) VCF-style: chr11-108163423-C-T.
Other names: c.4514C>T, p.Ala1505Val (NM_001351834.2); short protein forms A1505V.
Identifiers: ClinVar variation 422597 (VCV000422597.2), dbSNP rs1064795883, ClinGen allele CA16619182.